The following is an entry in ClinVar:

NM_005055.5(RAPSN):c.973C>T (p.Gln325Ter)

Gene: RAPSN (receptor associated protein of the synapse; minus strand). Cytogenetic location: 11p11.2.
Variant type: single nucleotide variant.
Coding change: c.973C>T on transcript NM_005055.5 (MANE Select); coding-DNA position 973, C replaced by T.
Protein change: p.Gln325Ter; replaces glutamine 325 with a stop codon.
Molecular consequence: nonsense.
Genome position (GRCh38, 1-based): chr11:47,438,925, G>A on the plus strand (C>T on the coding strand, the complement: RAPSN is on the minus strand). VCF-style: chr11-47438925-G-A. GRCh37 (hg19) VCF-style: chr11-47460476-G-A.
Other names: c.796C>T, p.Gln266Ter (NM_032645.5); short protein forms Q266*, Q325*.
Identifiers: ClinVar variation 2137089 (VCV002137089.4), dbSNP rs1217462358, ClinGen allele CA380327912.

ClinVar aggregate classification (germline): Pathogenic (1 of 4 stars; one submission).

Conditions:
Fetal akinesia deformation sequence 1 (FADS1). Also called: Pena-Shokeir syndrome type I; Fetal akinesia sequence. Identifiers: Orphanet 994, MedGen C1276035, MONDO:0100101, OMIM 208150, HP:0001989.
Congenital myasthenic syndrome 11. Also called: MYASTHENIC SYNDROME, CONGENITAL, Ie; Myasthenic syndrome, congenital, 11, associated with acetylcholine receptor deficiency. Identifiers: Orphanet 590, MedGen C4225367, MONDO:0014588, OMIM 616326.

Allele frequency attached by ClinVar (database versions not stated): TOPMed below 0.00001.

Submission:

Labcorp Genetics (formerly Invitae), Labcorp
Classification: Pathogenic for Congenital myasthenic syndrome 11; Fetal akinesia deformation sequence 1. Last evaluated: 2024-02-24. Review status: criteria provided, single submitter. Criteria: Invitae Variant Classification Sherloc (09022015). Collection method: clinical testing. Allele origin: germline.
Comment: This sequence change creates a premature translational stop signal (p.Gln325*) in the RAPSN gene. It is expected to result in an absent or disrupted protein product. Loss-of-function variants in RAPSN are known to be pathogenic (PMID: 17686188). This variant is not present in population databases (gnomAD no frequency). This premature translational stop signal has been observed in individual(s) with RAPSN-related conditions (PMID: 19620612). ClinVar contains an entry for this variant (Variation ID: 2137089). Algorithms developed to predict the effect of sequence changes on RNA splicing suggest that this variant may disrupt the consensus splice site. For these reasons, this variant has been classified as Pathogenic.

Literature cited by the submitters: PubMed 17686188; PubMed 19620612.